The following is an entry in ClinVar:

NM_000264.5(PTCH1):c.3865G>C (p.Asp1289His)

Gene: PTCH1 (patched 1; minus strand). Cytogenetic location: 9q22.32.
Variant type: single nucleotide variant.
Coding change: c.3865G>C on transcript NM_000264.5 (MANE Select); coding-DNA position 3865, G replaced by C.
Protein change: p.Asp1289His; replaces aspartic acid 1289 with histidine.
Molecular consequence: missense variant. On other transcripts: non-coding transcript variant (1).
Genome position (GRCh38, 1-based): chr9:95,447,391, C>G on the plus strand (G>C on the coding strand, the complement: PTCH1 is on the minus strand). VCF-style: chr9-95447391-C-G. GRCh37 (hg19) VCF-style: chr9-98209673-C-G.
Other names: c.3667G>C, p.Asp1223His (NM_001083602.3); c.3862G>C, p.Asp1288His (NM_001083603.3); c.3412G>C, p.Asp1138His (NM_001083604.3, NM_001083605.3, NM_001083606.3 and 1 more transcripts); c.3709G>C, p.Asp1237His (NM_001354918.2); short protein forms D1138H, D1223H, D1237H, D1288H, D1289H.
Identifiers: ClinVar variation 4862656 (VCV004862656.1).

ClinVar aggregate classification (germline): Uncertain significance (1 of 4 stars; one submission).

Conditions:
Hereditary cancer-predisposing syndrome. Also called: Neoplastic Syndromes, Hereditary; Tumor predisposition; Hereditary Cancer Syndrome; Hereditary neoplastic syndrome. Identifiers: Orphanet 140162, MedGen C0027672, MeSH D009386, MONDO:0015356.

Submission:

Ambry Genetics
Classification: Uncertain significance for Hereditary cancer-predisposing syndrome. Last evaluated: 2026-04-04. Review status: criteria provided, single submitter. Criteria: Ambry Variant Classification Scheme 2023. Collection method: clinical testing. Allele origin: germline.
Comment: The p.D1289H variant (also known as c.3865G>C), located in coding exon 23 of the PTCH1 gene, results from a G to C substitution at nucleotide position 3865. The aspartic acid at codon 1289 is replaced by histidine, an amino acid with similar properties. This amino acid position is conserved. In addition, the in silico prediction for this alteration is inconclusive. Based on the available evidence, the clinical significance of this variant remains unclear.